The following is an entry in ClinVar:

ClinVar aggregate classification (germline): Pathogenic (1 of 4 stars; one submission).

Conditions:
Hereditary cancer-predisposing syndrome. Also called: Tumor predisposition; Hereditary neoplastic syndrome; Neoplastic Syndromes, Hereditary; Hereditary Cancer Syndrome. Identifiers: Orphanet 140162, MedGen C0027672, MeSH D009386, MONDO:0015356.

Submission:

Ambry Genetics
Classification: Pathogenic for Hereditary cancer-predisposing syndrome. Last evaluated: 2019-10-08. Review status: criteria provided, single submitter. Criteria: Ambry Variant Classification Scheme 2023. Collection method: clinical testing. Allele origin: germline.
Comment: The c.1346delC pathogenic mutation, located in coding exon 10 of the APC gene, results from a deletion of one nucleotide at nucleotide position 1346, causing a translational frameshift with a predicted alternate stop codon (p.A449Vfs*5). This alteration is expected to result in loss of function by premature protein truncation or nonsense-mediated mRNA decay. As such, this alteration is interpreted as a disease-causing mutation.

NM_000038.6(APC):c.1346del (p.Ala449fs)

Gene: APC (APC regulator of Wnt signaling pathway; plus strand). Cytogenetic location: 5q22.2.
Variant type: Deletion.
Coding change: c.1346del on transcript NM_000038.6 (MANE Select); coding-DNA position 1346, one base deleted (C; older notation c.1346delC).
Protein change: p.Ala449fs; shifts the reading frame from alanine 449.
Molecular consequence: frameshift variant.
Genome position (GRCh38, 1-based): chr5:112,821,929, C deleted. VCF-style (leftmost placement, unchanged base first): chr5-112821928-GC-G. GRCh37 (hg19) VCF-style: chr5-112157625-GC-G.
Other names: c.1346del, p.Ala449fs (NM_001127510.3, NM_001354895.2, NM_001354896.2); c.1292del, p.Ala431fs (NM_001127511.3); c.1376del, p.Ala459fs (NM_001354897.2); c.1271del, p.Ala424fs (NM_001354898.2); c.1262del, p.Ala421fs (NM_001354899.2); c.1169del, p.Ala390fs (NM_001354900.2, NM_001354901.2); c.1073del, p.Ala358fs (NM_001354902.2); c.1043del, p.Ala348fs (NM_001354903.2); and 3 more; short protein forms A358fs, A390fs, A431fs, A459fs, A166fs, A289fs, A323fs, A348fs.
Identifiers: ClinVar variation 818907 (VCV000818907.4), dbSNP rs1580542168, ClinGen allele CA915942598.
Genomic context (GRCh38, chr5:112,821,928, plus strand): 5'-TATGGTTTATGTTGATTTTATTTTTCAGTGCCAGCTCCTGTTGAACATCAGATCTGTCCT[GC>G]TGTGTGTGTTCTAATGAAACTTTCATTTGATGAAGAGCATAGACATGCAATGAATGAACT-3'